The following is an entry in ClinVar:

ClinVar aggregate classification (germline): Uncertain significance. Review status: criteria provided, multiple submitters, no conflicts (2 of 4 stars). 2 submissions from 2 submitters: Uncertain significance (2). Last evaluated 2025-04-02.

Conditions:
Inborn genetic diseases. Identifiers: MedGen C0950123, MeSH D030342.
Glycogen storage disease type III (GSD3). Also called: Cori disease; FORBES DISEASE. Identifiers: Orphanet 366, MedGen C0017922, MONDO:0009291, OMIM 232400.

Submissions (2):

Ambry Genetics
Classification: Uncertain significance for Inborn genetic diseases. Last evaluated: 2025-04-02. Review status: criteria provided, single submitter. Criteria: Ambry Variant Classification Scheme 2023. Collection method: clinical testing. Allele origin: germline.

Labcorp Genetics (formerly Invitae), Labcorp
Classification: Uncertain significance for Glycogen storage disease type III. Last evaluated: 2019-11-20. Review status: criteria provided, single submitter. Criteria: Invitae Variant Classification Sherloc (09022015). Collection method: clinical testing. Allele origin: germline.
Comment: This sequence change replaces isoleucine with lysine at codon 1226 of the AGL protein (p.Ile1226Lys). The isoleucine residue is highly conserved and there is a moderate physicochemical difference between isoleucine and lysine. This variant is not present in population databases (ExAC no frequency). This variant has not been reported in the literature in individuals with AGL-related disease. Algorithms developed to predict the effect of missense changes on protein structure and function (SIFT, PolyPhen-2, Align-GVGD) all suggest that this variant is likely to be disruptive, but these predictions have not been confirmed by published functional studies and their clinical significance is uncertain. In summary, the available evidence is currently insufficient to determine the role of this variant in disease. Therefore, it has been classified as a Variant of Uncertain Significance.

NM_000642.3(AGL):c.3677T>A (p.Ile1226Lys)

Gene: AGL (amylo-alpha-1,6-glucosidase and 4-alpha-glucanotransferase; plus strand). Cytogenetic location: 1p21.2.
Variant type: single nucleotide variant.
Coding change: c.3677T>A on transcript NM_000642.3 (MANE Select); coding-DNA position 3677, T replaced by A.
Protein change: p.Ile1226Lys; replaces isoleucine 1226 with lysine.
Molecular consequence: missense variant.
Genome position (GRCh38, 1-based): chr1:99,902,771, T>A. VCF-style: chr1-99902771-T-A. GRCh37 (hg19) VCF-style: chr1-100368327-T-A.
Other names: c.3677T>A (NM_000642.2); c.3677T>A, p.Ile1226Lys (NM_000028.3, NM_000643.3, NM_000644.3 and 1 more transcripts); c.3629T>A, p.Ile1210Lys (NM_000646.3); c.3656T>A, p.Ile1219Lys (NM_001425326.1); c.3476T>A, p.Ile1159Lys (NM_001425327.1); c.3473T>A, p.Ile1158Lys (NM_001425328.1); c.3338T>A, p.Ile1113Lys (NM_001425329.1); c.3299T>A, p.Ile1100Lys (NM_001425332.1); short protein forms I1210K, I1226K, I1100K, I1113K, I1158K, I1159K, I1219K.
Identifiers: ClinVar variation 2054864 (VCV002054864.2), dbSNP rs749118487, ClinGen allele CA341335082.